The following is an entry in ClinVar:

ClinVar aggregate classification (germline): Pathogenic (1 of 4 stars; one submission).

Conditions:
Carnitine palmitoyl transferase 1A deficiency. Also called: Carnitine palmitoyltransferase 1A deficiency; CPT deficiency, hepatic, type IA; Carnitine palmitoyltransferase type I deficiency; CPT I DEFICIENCY; CPT DEFICIENCY, HEPATIC, TYPE I. Identifiers: Orphanet 156, MedGen C1829703, MONDO:0009705, OMIM 255120.

Submission:

Myriad Genetics, Inc.
Classification: Pathogenic for Carnitine palmitoyl transferase 1A deficiency. Last evaluated: 2023-08-22. Review status: criteria provided, single submitter. Criteria: Myriad Autosomal Dominant, Autosomal Recessive and X-Linked Classification Criteria (2023). Collection method: clinical testing. Allele origin: unknown.
Comment: NM_001876.3(CPT1A):c.1038G>A(W346*) is expected to be pathogenic in the context of carnitine palmitoyltransferase IA deficiency. This variant is predicted to lead to an abnormal or absent protein product due to the creation of a premature termination codon in CPT1A, a gene where loss-of-function variants are known to be pathogenic. Please note: this variant was assessed in the context of healthy population screening.

NM_001876.4(CPT1A):c.1038G>A (p.Trp346Ter)

Gene: CPT1A (carnitine palmitoyltransferase 1A; minus strand). Cytogenetic location: 11q13.3.
Variant type: single nucleotide variant.
Coding change: c.1038G>A on transcript NM_001876.4 (MANE Select); coding-DNA position 1038, G replaced by A.
Protein change: p.Trp346Ter; replaces tryptophan 346 with a stop codon.
Molecular consequence: nonsense.
Genome position (GRCh38, 1-based): chr11:68,784,940, C>T on the plus strand (G>A on the coding strand, the complement: CPT1A is on the minus strand). VCF-style: chr11-68784940-C-T. GRCh37 (hg19) VCF-style: chr11-68552408-C-T.
Other names: c.1038G>A, p.Trp346Ter (NM_001031847.3, NM_001440358.1, NM_001440359.1 and 3 more transcripts); c.930G>A, p.Trp310Ter (NM_001440363.1); c.852G>A, p.Trp284Ter (NM_001440365.1); short protein forms W284*, W310*, W346*.
Identifiers: ClinVar variation 5011452 (VCV005011452.1).